The following is an entry in ClinVar:

ClinVar aggregate classification (germline): Uncertain significance (1 of 4 stars; one submission).

Allele frequency attached by ClinVar (database versions not stated): ExAC 0.00001; gnomAD exomes 0.00001; TOPMed 0.00001.
gnomAD v4.1: 7 of 1,612,484 alleles (0.00043%); highest among the groups gnomAD compares: Non-Finnish European, 0.00059%; no homozygotes.

Submission:

CeGaT Center for Human Genetics Tuebingen
Classification: Uncertain significance. Last evaluated: 2023-12-01. Review status: criteria provided, single submitter. Criteria: CeGaT Center For Human Genetics Tuebingen Variant Classification Criteria Version 2. Collection method: clinical testing. Allele origin: germline. Affected: yes. Observed: 1 variant allele.
Comment: INF2: PM2

NM_022489.4(INF2):c.1795T>C (p.Phe599Leu)

Gene: INF2 (inverted formin 2; plus strand). Cytogenetic location: 14q32.33.
Variant type: single nucleotide variant.
Coding change: c.1795T>C on transcript NM_022489.4 (MANE Select); coding-DNA position 1795, T replaced by C.
Protein change: p.Phe599Leu; replaces phenylalanine 599 with leucine.
Molecular consequence: missense variant.
Genome position (GRCh38, 1-based): chr14:104,708,495, T>C. VCF-style: chr14-104708495-T-C. GRCh37 (hg19) VCF-style: chr14-105174832-T-C.
Other names: c.1795T>C, p.Phe599Leu (NM_001031714.4, NM_001426862.1, NM_001426863.1 and 2 more transcripts); short protein forms F599L.
Identifiers: ClinVar variation 3026327 (VCV003026327.22), dbSNP rs761825172, ClinGen allele CA7372676.